The following is an entry in ClinVar:

NM_001042681.2(RERE):c.3245G>A (p.Gly1082Glu)

Gene: RERE (arginine-glutamic acid dipeptide repeats; minus strand). Cytogenetic location: 1p36.23.
Variant type: single nucleotide variant.
Coding change: c.3245G>A on transcript NM_001042681.2 (MANE Select); coding-DNA position 3245, G replaced by A.
Protein change: p.Gly1082Glu; replaces glycine 1082 with glutamic acid.
Molecular consequence: missense variant.
Genome position (GRCh38, 1-based): chr1:8,360,262, C>T on the plus strand (G>A on the coding strand, the complement: RERE is on the minus strand). VCF-style: chr1-8360262-C-T. GRCh37 (hg19) VCF-style: chr1-8420322-C-T.
Other names: c.1583G>A, p.Gly528Glu (NM_001042682.2); c.3245G>A, p.Gly1082Glu (NM_012102.4); short protein forms G1082E, G528E.
Identifiers: ClinVar variation 4885207 (VCV004885207.2).

ClinVar aggregate classification (germline): Uncertain significance (1 of 4 stars; one submission).

gnomAD v4.1: 2 of 1,573,292 alleles (0.00013%); no homozygotes.

Submission:

Dasa
Classification: Uncertain significance. Last evaluated: 2026-01-27. Review status: criteria provided, single submitter. Criteria: DASA Assertion Criteria. Collection method: clinical testing. Allele origin: germline.
Comment: NM_001042681.2(RERE):c.3245G>A (p.Gly1082Glu) is a missense variant that results in the substitution of glycine with glutamic acid. This variant is rare in population databases. Computational prediction algorithms are consistent with a benign effect. The currently available literature and clinical evidence are not sufficient to establish a definitive association between this variant and the reported condition. Therefore, this variant is classified as a variant of uncertain significance.